The following is an entry in ClinVar:

NM_000092.5(COL4A4):c.2929C>G (p.Pro977Ala)

Gene: COL4A4 (collagen type IV alpha 4 chain; minus strand). Cytogenetic location: 2q36.3.
Variant type: single nucleotide variant.
Coding change: c.2929C>G on transcript NM_000092.5 (MANE Select); coding-DNA position 2929, C replaced by G.
Protein change: p.Pro977Ala; replaces proline 977 with alanine.
Molecular consequence: missense variant.
Genome position (GRCh38, 1-based): chr2:227,052,344, G>C on the plus strand (C>G on the coding strand, the complement: COL4A4 is on the minus strand). VCF-style: chr2-227052344-G-C. GRCh37 (hg19) VCF-style: chr2-227917060-G-C.
Other names: short protein forms P977A.
Identifiers: ClinVar variation 968388 (VCV000968388.9), dbSNP rs769300622, ClinGen allele CA2144677.

ClinVar aggregate classification (germline): Uncertain significance. Review status: criteria provided, multiple submitters, no conflicts (2 of 4 stars). 6 submissions from 6 submitters: Uncertain significance (5). 1 of the submissions does not count toward it. Last evaluated 2026-07-15.

Conditions:
COL4A4-related disorder.
Alport syndrome. Also called: Hemorrhagic familial nephritis; Hemorrhagic hereditary nephritis; Congenital hereditary hematuria. Identifiers: Orphanet 63, MedGen C1567741, MONDO:0018965.
Inborn genetic diseases. Identifiers: MedGen C0950123, MeSH D030342.
Autosomal recessive Alport syndrome (ATS2). Also called: COL4A4 Alport Syndrome and Thin Basement Membrane Nephropathy; ALPORT SYNDROME 2, AUTOSOMAL RECESSIVE; Alport syndrome type 2; COL4A3-Related Nephropathy. Identifiers: Orphanet 63, Orphanet 88919, MedGen C4746745, MONDO:0008762, OMIM 203780.
Benign familial hematuria. Also called: thin basement membrane disease. Identifiers: MedGen C0241908, MONDO:0957317.

Allele frequency attached by ClinVar (database versions not stated): ExAC 0.00004; gnomAD 0.00005; gnomAD exomes 0.00005; TOPMed 0.00005.
gnomAD v4.1: 169 of 1,613,072 alleles (0.01%); highest among the groups gnomAD compares: Non-Finnish European, 0.013%; no homozygotes.

Submissions (6):

PreventionGenetics, part of Exact Sciences
Classification: Uncertain significance for COL4A4-related condition. Last evaluated: 2026-07-15. Review status: criteria provided, single submitter. Criteria: ACMG Guidelines, 2015. Collection method: clinical testing. Allele origin: germline.
Comment: The COL4A4 c.2929C>G variant is predicted to result in the amino acid substitution p.Pro977Ala. To our knowledge, this variant has not been reported in the literature. This variant is reported in 0.011% of alleles in individuals of European (Non-Finnish) descent in gnomAD. At this time, the clinical significance of this variant is uncertain due to the absence of conclusive functional and genetic evidence.

Ambry Genetics
Classification: Uncertain significance for Inborn genetic diseases. Last evaluated: 2025-02-18. Review status: criteria provided, single submitter. Criteria: Ambry Variant Classification Scheme 2023. Collection method: clinical testing. Allele origin: germline.
Comment: The c.2929C>G (p.P977A) alteration is located in exon 32 (coding exon 31) of the COL4A4 gene. This alteration results from a C to G substitution at nucleotide position 2929, causing the proline (P) at amino acid position 977 to be replaced by an alanine (A). Based on data from gnomAD, the G allele has an overall frequency of 0.005% (13/249572) total alleles studied. The highest observed frequency was 0.011% (12/113280) of European (non-Finnish) alleles. This amino acid position is well conserved in available vertebrate species. This alteration is predicted to be tolerated by in silico analysis. Based on insufficient or conflicting evidence, the clinical significance of this alteration remains unclear.

GeneDx
Classification: Uncertain significance. Last evaluated: 2024-08-01. Review status: criteria provided, single submitter. Criteria: GeneDx Variant Classification Process June 2021. Collection method: clinical testing. Allele origin: germline. Affected: yes.
Comment: In silico analysis indicates that this missense variant does not alter protein structure/function; Occurs in the triple helical domain at the Y position in the canonical Gly-X-Y repeat; although this variant may have an effect on normal protein folding and function, missense substitution at the Y position is not a common mechanism of disease; Has not been previously published as pathogenic or benign to our knowledge

Labcorp Genetics (formerly Invitae), Labcorp
Classification: Uncertain significance. Last evaluated: 2022-09-22. Review status: criteria provided, single submitter. Criteria: Invitae Variant Classification Sherloc (09022015). Collection method: clinical testing. Allele origin: germline.
Comment: This sequence change replaces proline, which is neutral and non-polar, with alanine, which is neutral and non-polar, at codon 977 of the COL4A4 protein (p.Pro977Ala). This variant is present in population databases (rs769300622, gnomAD 0.01%). This variant has not been reported in the literature in individuals affected with COL4A4-related conditions. ClinVar contains an entry for this variant (Variation ID: 968388). Advanced modeling of protein sequence and biophysical properties (such as structural, functional, and spatial information, amino acid conservation, physicochemical variation, residue mobility, and thermodynamic stability) performed at Invitae indicates that this missense variant is not expected to disrupt COL4A4 protein function. In summary, the available evidence is currently insufficient to determine the role of this variant in disease. Therefore, it has been classified as a Variant of Uncertain Significance.

Fulgent Genetics
Classification: Uncertain significance for Hematuria, benign familial, 1; Autosomal recessive Alport syndrome. Last evaluated: 2022-03-16. Review status: criteria provided, single submitter. Criteria: ACMG Guidelines, 2015. Collection method: clinical testing. Allele origin: unknown.

Natera, Inc.
Classification: Uncertain significance for Alport syndrome. Last evaluated: 2020-01-27. Review status: no assertion criteria provided. Collection method: clinical testing. Allele origin: germline. Not counted in ClinVar's aggregate classification.